The following is an entry in ClinVar:

ClinVar aggregate classification (germline): Pathogenic/Likely pathogenic. Review status: criteria provided, multiple submitters, no conflicts (2 of 4 stars). 5 submissions from 5 submitters: Pathogenic (4); Likely pathogenic (1). Last evaluated 2026-01-20.

Conditions:
FGFR2-related disorder. Identifiers: MedGen CN380096.
FGFR2-related craniosynostosis. Identifiers: MedGen CN231480.
Pfeiffer syndrome (ACS5). Also called: ACS V. Identifiers: Orphanet 710, MedGen C0220658, MONDO:0007043, OMIM 101600.

Submissions (5):

Labcorp Genetics (formerly Invitae), Labcorp
Classification: Pathogenic for FGFR2-related craniosynostosis. Last evaluated: 2026-01-20. Review status: criteria provided, single submitter. Criteria: Invitae Variant Classification Sherloc (09022015). Collection method: clinical testing. Allele origin: germline.
Comment: This sequence change replaces lysine, which is basic and polar, with arginine, which is basic and polar, at codon 641 of the FGFR2 protein (p.Lys641Arg). This variant is not present in population databases (gnomAD no frequency). This missense change has been observed in individuals with Pfeiffer syndrome (PMID: 11781872, 16418739, 23348274; internal data). ClinVar contains an entry for this variant (Variation ID: 374824). Invitae Evidence Modeling of protein sequence and biophysical properties (such as structural, functional, and spatial information, amino acid conservation, physicochemical variation, residue mobility, and thermodynamic stability) indicates that this missense variant is expected to disrupt FGFR2 protein function with a positive predictive value of 80%. Experimental studies have shown that this missense change affects FGFR2 function (PMID: 17803937). For these reasons, this variant has been classified as Pathogenic.

GeneDx
Classification: Pathogenic. Last evaluated: 2023-10-23. Review status: criteria provided, single submitter. Criteria: GeneDx Variant Classification Process June 2021. Collection method: clinical testing. Allele origin: germline. Affected: yes.
Comment: Published functional studies demonstrate increased tyrosine kinase activity and increased substrate phosphorylation compared to wildtype (Reintjes et al., 2013); Not observed at significant frequency in large population cohorts (gnomAD); In silico analysis supports that this missense variant has a deleterious effect on protein structure/function; This variant is associated with the following publications: (PMID: 23754559, 28034880, 33218975, 23348274, 11781872, 15863034, 28166054, 16418739, 24817905, 31371345, 29104507, 27245147, 26557159, 23527311)

Blueprint Genetics
Classification: Pathogenic for FGFR2-related disorders. Last evaluated: 2020-06-10. Review status: criteria provided, single submitter. Criteria: ACMG Guidelines, 2015. Collection method: clinical testing. Allele origin: germline. Affected: yes. Observed: 1 variant allele.

Eurofins Ntd Llc (ga)
Classification: Pathogenic. Last evaluated: 2018-02-12. Review status: criteria provided, single submitter. Criteria: EGL ClinVar v180209 classification definitions. Collection method: clinical testing. Allele origin: germline. Observed: 1 variant allele, 1 heterozygote.

Genomic Diagnostic Laboratory, Division of Genomic Diagnostics, Children's Hospital of Philadelphia
Classification: Likely pathogenic for Pfeiffer syndrome. Last evaluated: 2016-09-17. Review status: criteria provided, single submitter. Criteria: DGD Variant Analysis Guidelines. Collection method: clinical testing. Allele origin: germline. Affected: yes. Observed: 1 variant allele.
Comment: Clinical Testing

Literature cited by the submitters: PubMed 11781872 (cited by Labcorp Genetics (formerly Invitae), Labcorp and Eurofins Ntd Llc (ga)); PubMed 16418739 (cited by Labcorp Genetics (formerly Invitae), Labcorp); PubMed 23348274 (cited by Labcorp Genetics (formerly Invitae), Labcorp and Eurofins Ntd Llc (ga)); PubMed 17803937 (cited by Labcorp Genetics (formerly Invitae), Labcorp).

NM_000141.5(FGFR2):c.1922A>G (p.Lys641Arg)

Gene: FGFR2 (fibroblast growth factor receptor 2; minus strand). Cytogenetic location: 10q26.13.
Variant type: single nucleotide variant.
Coding change: c.1922A>G on transcript NM_000141.5 (MANE Select); coding-DNA position 1922, A replaced by G.
Protein change: p.Lys641Arg; replaces lysine 641 with arginine.
Molecular consequence: missense variant. On other transcripts: non-coding transcript variant (1).
Genome position (GRCh38, 1-based): chr10:121,488,055, T>C on the plus strand (A>G on the coding strand, the complement: FGFR2 is on the minus strand). VCF-style: chr10-121488055-T-C. GRCh37 (hg19) VCF-style: chr10-123247569-T-C.
Other names: c.1925A>G, p.Lys642Arg (NM_001144913.1, NM_022970.4); c.1586A>G, p.Lys529Arg (NM_001144914.1); c.1655A>G, p.Lys552Arg (NM_001144915.2, NM_023029.3); c.1577A>G, p.Lys526Arg (NM_001144916.2); c.1574A>G, p.Lys525Arg (NM_001144917.2); c.1571A>G, p.Lys524Arg (NM_001144918.2); c.1658A>G, p.Lys553Arg (NM_001144919.2); c.1238A>G, p.Lys413Arg (NM_001320654.2); and 1 more; short protein forms K641R, K642R, K413R, K526R, K553R, K552R, K524R, K639R.
Identifiers: ClinVar variation 374824 (VCV000374824.9), dbSNP rs1057519047, ClinGen allele CA16043905.
Genomic context (GRCh38, chr10:121,488,055, plus strand): 5'-GTGGTCTTTTTGTAATAGTCTATATTGTTGATATCTCTGGCGAGTCCAAAGTCTGCTATT[T>C]TCATCACATTGTTTTCTGTTACCAAAACATTTCTGGCTGCTAAATCTCGATGAATACACT-3'
Protein context (NP_000132.3, residues 631-651): NVLVTENNVM[Lys641Arg]IADFGLARDI